The following is an entry in ClinVar:

NM_012203.2(GRHPR):c.113_156dup (p.His53delinsSerProSerLeuProArgSerTer)

Gene: GRHPR (glyoxylate and hydroxypyruvate reductase; plus strand). Cytogenetic location: 9p13.2.
Variant type: Duplication.
Coding change: c.113_156dup on transcript NM_012203.2 (MANE Select); coding-DNA positions 113 to 156, 44 bases duplicated.
Protein change: p.His53delinsSerProSerLeuProArgSerTer.
Molecular consequence: nonsense.
Genome position (GRCh38, 1-based): chr9:37,424,874-37,424,917, 44 bases duplicated. GRCh37 (hg19): chr9:37,424,871-37,424,914.
Identifiers: ClinVar variation 3638832 (VCV003638832.2).

ClinVar aggregate classification (germline): Pathogenic (1 of 4 stars; one submission).

Submission:

Labcorp Genetics (formerly Invitae), Labcorp
Classification: Pathogenic. Last evaluated: 2024-02-04. Review status: criteria provided, single submitter. Criteria: Invitae Variant Classification Sherloc (09022015). Collection method: clinical testing. Allele origin: germline.
Comment: This sequence change creates a premature translational stop signal (p.His53Serfs*8) in the GRHPR gene. It is expected to result in an absent or disrupted protein product. Loss-of-function variants in GRHPR are known to be pathogenic (PMID: 25644115). This variant is not present in population databases (gnomAD no frequency). This variant has not been reported in the literature in individuals affected with GRHPR-related conditions. For these reasons, this variant has been classified as Pathogenic.

Literature cited by the submitters: PubMed 25644115.